The following is an entry in ClinVar:

NM_001286445.3(RIPOR2):c.2318T>C (p.Ile773Thr)

Gene: RIPOR2 (RHO family interacting cell polarization regulator 2; minus strand). Cytogenetic location: 6p22.3.
Variant type: single nucleotide variant.
Coding change: c.2318T>C on transcript NM_001286445.3 (MANE Select); coding-DNA position 2318, T replaced by C.
Protein change: p.Ile773Thr; replaces isoleucine 773 with threonine.
Molecular consequence: missense variant.
Genome position (GRCh38, 1-based): chr6:24,832,282, A>G on the plus strand (T>C on the coding strand, the complement: RIPOR2 is on the minus strand). VCF-style: chr6-24832282-A-G. GRCh37 (hg19) VCF-style: chr6-24832510-A-G.
Other names: c.2231T>C, p.Ile744Thr (NM_001346031.2, NM_001346032.2); c.2381T>C, p.Ile794Thr (NM_014722.5); short protein forms I744T, I794T, I773T.
Identifiers: ClinVar variation 2908400 (VCV002908400.3), dbSNP rs1030255011, ClinGen allele CA136170734.

ClinVar aggregate classification (germline): Uncertain significance (1 of 4 stars; one submission).

Allele frequency attached by ClinVar (database versions not stated): gnomAD 0.00001; gnomAD exomes 0.00002; TOPMed 0.00003.
gnomAD v4.1: 23 of 1,551,632 alleles (0.0015%); highest among the groups gnomAD compares: Admixed American, 0.0059%; no homozygotes.

Submission:

Labcorp Genetics (formerly Invitae), Labcorp
Classification: Uncertain significance. Last evaluated: 2024-01-15. Review status: criteria provided, single submitter. Criteria: Invitae Variant Classification Sherloc (09022015). Collection method: clinical testing. Allele origin: germline.
Comment: This sequence change replaces isoleucine, which is neutral and non-polar, with threonine, which is neutral and polar, at codon 794 of the FAM65B protein (p.Ile794Thr). This variant is present in population databases (no rsID available, gnomAD 0.004%). This variant has not been reported in the literature in individuals affected with FAM65B-related conditions. Algorithms developed to predict the effect of missense changes on protein structure and function output the following: SIFT: "Not Available"; PolyPhen-2: "Benign"; Align-GVGD: "Not Available". The threonine amino acid residue is found in multiple mammalian species, which suggests that this missense change does not adversely affect protein function. In summary, the available evidence is currently insufficient to determine the role of this variant in disease. Therefore, it has been classified as a Variant of Uncertain Significance.